The following is an entry in ClinVar:

NM_002506.3(NGF):c.-12-118G>C

Genes: NGF (nerve growth factor; minus strand), NGF-AS1 (NGF antisense RNA 1; plus strand). Cytogenetic location: 1p13.2.
Variant type: single nucleotide variant.
Coding change: c.-12-118G>C on transcript NM_002506.3 (MANE Select); 118 bases into the intron before 12 bases upstream of the start codon, G replaced by C.
Molecular consequence: intron variant.
Genome position (GRCh38, 1-based): chr1:115,286,925, C>G on the plus strand (G>C on the coding strand, the complement: NGF is on the minus strand). VCF-style: chr1-115286925-C-G. GRCh37 (hg19) VCF-style: chr1-115829546-C-G.
Identifiers: ClinVar variation 675725 (VCV000675725.2), dbSNP rs3730194, ClinGen allele CA29767965.

ClinVar aggregate classification (germline): Likely benign. Review status: criteria provided, multiple submitters, no conflicts (2 of 4 stars). 2 submissions from 2 submitters: Likely benign (2). Last evaluated 2018-06-15.

Allele frequency attached by ClinVar (database versions not stated): 1000 Genomes Project 30x 0.00422; 1000 Genomes Project 0.00439; TOPMed 0.01107.
gnomAD v4.1: 17,477 of 1,268,974 alleles (1.4%); highest among the groups gnomAD compares: Non-Finnish European, 1.7%; 178 homozygotes.

Submissions (2):

GeneDx
Classification: Likely benign. Last evaluated: 2018-06-15. Review status: criteria provided, single submitter. Criteria: GeneDx Variant Classification (06012015). Collection method: clinical testing. Allele origin: germline. Affected: yes.
Comment: This variant is considered likely benign or benign based on one or more of the following criteria: it is a conservative change, it occurs at a poorly conserved position in the protein, it is predicted to be benign by multiple in silico algorithms, and/or has population frequency not consistent with disease.

Breakthrough Genomics
Classification: Likely benign. Review status: criteria provided, single submitter. Criteria: ACMG Guidelines, 2015. Collection method: not provided. Allele origin: germline. Inheritance: Autosomal recessive inheritance. Affected: yes.